The following is an entry in ClinVar:

NM_000551.4(VHL):c.464-1262G>A

Genes: VHL (von Hippel-Lindau tumor suppressor; plus strand), LOC107303340 (3p25 von Hippel-Lindau tumor suppressor, E3 ubiquitin protein ligase Alu-mediated recombination region; plus strand). Cytogenetic location: 3p25.3.
Variant type: single nucleotide variant.
Coding change: c.464-1262G>A on transcript NM_000551.4 (MANE Select); 1262 bases into the intron before coding-DNA position 464, G replaced by A.
Molecular consequence: intron variant.
Genome position (GRCh38, 1-based): chr3:10,148,525, G>A. VCF-style: chr3-10148525-G-A. GRCh37 (hg19) VCF-style: chr3-10190209-G-A.
Other names: c.*18-1262G>A (NM_001354723.2); c.341-1262G>A (NM_198156.3).
Identifiers: ClinVar variation 1692523 (VCV001692523.1), dbSNP rs271992, ClinGen allele CA70050845.
Genomic context (GRCh38, chr3:10,148,525, plus strand): 5'-CCACTACGCCCGGCTAATTTTTTGTATTTTTAGTAGAGACGGGGTTTCACCGTTTTAGCC[G>A]GGATGGTCTCGATCTCCTGACCTCGTGATCCGCCCGCCTCGGCCTCCCAAAGTGCTGGGA-3'

ClinVar aggregate classification (germline): Uncertain significance (1 of 4 stars; one submission).

Conditions:
Hereditary cancer-predisposing syndrome. Also called: Hereditary Cancer Syndrome; Hereditary neoplastic syndrome; Neoplastic Syndromes, Hereditary; Tumor predisposition. Identifiers: Orphanet 140162, MedGen C0027672, MeSH D009386, MONDO:0015356.

Allele frequency attached by ClinVar (database versions not stated): gnomAD 0.00003 and 0.00008; 1000 Genomes Project 30x 0.00062.
gnomAD v4.1: 12 of 150,966 alleles (0.0079%); highest among the groups gnomAD compares: South Asian, 0.11%; 1 homozygote.

Submission:

Sema4
Classification: Uncertain significance for Hereditary cancer-predisposing syndrome. Last evaluated: 2022-02-07. Review status: criteria provided, single submitter. Criteria: Sema4 Curation Guidelines. Collection method: curation. Allele origin: germline.
Comment: The VHL c.464-1262G>A variant has not been reported in the literature to our knowledge. The variant is not observed in any sub-population with a sufficient number of total alleles (>=2000), but is observed in 2/30496 chromosomes across all populations in the large and broad cohorts in the Genome Aggregation Database (PMID: 32461654). This variant has not been reported in ClinVar. Algorithms developed to predict the effect of sequence changes on RNA splicing do not suggest negative effect, though these predictions have not been confirmed by functional studies. The evidence is insufficient to meet ACMG/AMP criteria for classifying the variant as benign or pathogenic. Thus, the clinical significance of this variant is currently uncertain.